The following is an entry in ClinVar:

ClinVar aggregate classification (germline): Uncertain significance. Review status: criteria provided, multiple submitters, no conflicts (2 of 4 stars). 2 submissions from 2 submitters: Uncertain significance (2). Last evaluated 2019-11-20.

Conditions:
Cardiovascular phenotype. Identifiers: MedGen CN230736.
Hereditary cancer-predisposing syndrome. Also called: Hereditary neoplastic syndrome; Hereditary Cancer Syndrome; Tumor predisposition; Neoplastic Syndromes, Hereditary. Identifiers: Orphanet 140162, MedGen C0027672, MeSH D009386, MONDO:0015356.
Neurofibromatosis, type 1 (NF1). Also called: Neurofibromatosis, type I; Peripheral type neurofibromatosis; VON RECKLINGHAUSEN DISEASE; NEUROFIBROMATOSIS, TYPE I, SOMATIC. Identifiers: Orphanet 636, MedGen C0027831, MONDO:0018975, OMIM 162200. Disease mechanism: loss of function.

gnomAD v4.1: 1 of 1,613,940 alleles (0.000062%); highest among the groups gnomAD compares: Non-Finnish European, 0.000085%; no homozygotes.

Submissions (2):

Ambry Genetics
Classification: Uncertain significance for Cardiovascular phenotype; Hereditary cancer-predisposing syndrome. Last evaluated: 2019-11-20. Review status: criteria provided, single submitter. Criteria: Ambry Variant Classification Scheme 2023. Collection method: clinical testing. Allele origin: germline.
Comment: The p.P268L variant (also known as c.803C>T), located in coding exon 8 of the NF1 gene, results from a C to T substitution at nucleotide position 803. The proline at codon 268 is replaced by leucine, an amino acid with similar properties. This amino acid position is highly conserved in available vertebrate species. In addition, this alteration is predicted to be deleterious by in silico analysis. Since supporting evidence is limited at this time, the clinical significance of this alteration remains unclear.

Labcorp Genetics (formerly Invitae), Labcorp
Classification: Uncertain significance for Neurofibromatosis, type 1. Last evaluated: 2019-09-18. Review status: criteria provided, single submitter. Criteria: Invitae Variant Classification Sherloc (09022015). Collection method: clinical testing. Allele origin: germline.
Comment: This sequence change replaces proline with leucine at codon 268 of the NF1 protein (p.Pro268Leu). The proline residue is moderately conserved and there is a moderate physicochemical difference between proline and leucine. This variant is not present in population databases (ExAC no frequency). This variant has not been reported in the literature in individuals with NF1-related conditions. Algorithms developed to predict the effect of missense changes on protein structure and function are either unavailable or do not agree on the potential impact of this missense change (SIFT: "Tolerated"; PolyPhen-2: "Probably Damaging"; Align-GVGD: "Class C0"). In summary, the available evidence is currently insufficient to determine the role of this variant in disease. Therefore, it has been classified as a Variant of Uncertain Significance.

NM_001042492.3(NF1):c.803C>T (p.Pro268Leu)

Gene: NF1 (neurofibromin 1; plus strand). Cytogenetic location: 17q11.2.
Variant type: single nucleotide variant.
Coding change: c.803C>T on transcript NM_001042492.3 (MANE Select); coding-DNA position 803, C replaced by T.
Protein change: p.Pro268Leu; replaces proline 268 with leucine.
Molecular consequence: missense variant.
Genome position (GRCh38, 1-based): chr17:31,182,580, C>T. VCF-style: chr17-31182580-C-T. GRCh37 (hg19) VCF-style: chr17-29509598-C-T.
Other names: c.803C>T, p.Pro268Leu (NM_000267.4, NM_001128147.3); short protein forms P268L.
Identifiers: ClinVar variation 964609 (VCV000964609.9), dbSNP rs1441060549, ClinGen allele CA398990915.